The following is an entry in ClinVar:

ClinVar aggregate classification (germline): Uncertain significance. Review status: criteria provided, multiple submitters, no conflicts (2 of 4 stars). 4 submissions from 4 submitters: Uncertain significance (4). Last evaluated 2025-10-23.

Conditions:
Hereditary cancer-predisposing syndrome. Also called: Neoplastic Syndromes, Hereditary; Hereditary neoplastic syndrome; Hereditary Cancer Syndrome; Tumor predisposition. Identifiers: Orphanet 140162, MedGen C0027672, MeSH D009386, MONDO:0015356.
Endometrial carcinoma. Also called: Endometrial carcinoma, somatic. Identifiers: MedGen C0476089, MONDO:0002447, OMIM 608089, HP:0012114.
Familial adenomatous polyposis 4 (FAP4). Also called: MSH3-related attenuated familial adenomatous polyposis. Identifiers: Orphanet 480536, MedGen C4310719, MONDO:0044300, OMIM 617100.

Allele frequency attached by ClinVar (database versions not stated): gnomAD exomes below 0.00001; ExAC 0.00001.

Submissions (4):

Labcorp Genetics (formerly Invitae), Labcorp
Classification: Uncertain significance. Last evaluated: 2025-10-23. Review status: criteria provided, single submitter. Criteria: Invitae Variant Classification Sherloc (09022015). Collection method: clinical testing. Allele origin: germline.
Comment: This sequence change replaces glutamine, which is neutral and polar, with glutamic acid, which is acidic and polar, at codon 908 of the MSH3 protein (p.Gln908Glu). This variant is present in population databases (rs766140122, gnomAD 0.006%). This variant has not been reported in the literature in individuals affected with MSH3-related conditions. ClinVar contains an entry for this variant (Variation ID: 658859). An algorithm developed to predict the effect of missense changes on protein structure and function (PolyPhen-2) suggests that this variant is likely to be disruptive. In summary, the available evidence is currently insufficient to determine the role of this variant in disease. Therefore, it has been classified as a Variant of Uncertain Significance.

Fulgent Genetics
Classification: Uncertain significance for Endometrial carcinoma; Familial adenomatous polyposis 4. Last evaluated: 2024-03-26. Review status: criteria provided, single submitter. Criteria: ACMG Guidelines, 2015. Collection method: clinical testing. Allele origin: germline.

Ambry Genetics
Classification: Uncertain significance for Hereditary cancer-predisposing syndrome. Last evaluated: 2022-10-03. Review status: criteria provided, single submitter. Criteria: Ambry Variant Classification Scheme 2023. Collection method: clinical testing. Allele origin: germline.
Comment: The p.Q908E variant (also known as c.2722C>G), located in coding exon 20 of the MSH3 gene, results from a C to G substitution at nucleotide position 2722. The glutamine at codon 908 is replaced by glutamic acid, an amino acid with highly similar properties. This amino acid position is conserved. In addition, this alteration is predicted to be deleterious by in silico analysis. Since supporting evidence is limited at this time, the clinical significance of this alteration remains unclear.

Juno Genomics, Hangzhou Juno Genomics, Inc
Classification: Uncertain significance for Endometrial carcinoma; Familial adenomatous polyposis 4. Review status: criteria provided, single submitter. Criteria: ACMG Guidelines, 2015. Collection method: clinical testing. Allele origin: germline.
Comment: Absent from controls (or at extremely low frequency if recessive) in Genome Aggregation Database.;Multiple lines of computational evidence support a deleterious effect on the gene or gene product.

NM_002439.5(MSH3):c.2722C>G (p.Gln908Glu)

Gene: MSH3 (mutS homolog 3; plus strand). Cytogenetic location: 5q14.1.
Variant type: single nucleotide variant.
Coding change: c.2722C>G on transcript NM_002439.5 (MANE Select); coding-DNA position 2722, C replaced by G.
Protein change: p.Gln908Glu; replaces glutamine 908 with glutamic acid.
Molecular consequence: missense variant.
Genome position (GRCh38, 1-based): chr5:80,813,650, C>G. VCF-style: chr5-80813650-C-G. GRCh37 (hg19) VCF-style: chr5-80109469-C-G.
Other names: short protein forms Q908E.
Identifiers: ClinVar variation 658859 (VCV000658859.16), dbSNP rs766140122, ClinGen allele CA3328337.